The following is an entry in ClinVar:

ClinVar aggregate classification (germline): Benign/Likely benign. Review status: criteria provided, multiple submitters, no conflicts (2 of 4 stars). 3 submissions from 3 submitters: Benign (1); Likely benign (2). Last evaluated 2026-01-23.

Conditions:
Methylmalonic aciduria and homocystinuria type cblF. Also called: COBALAMIN F DISEASE; COBALAMIN, DEFECT IN LYSOSOMAL RELEASE OF; METHYLMALONIC ACIDEMIA AND HOMOCYSTINURIA, cblF TYPE; METHYLMALONIC ACIDURIA DUE TO VITAMIN B12-RELEASE DEFECT; VITAMIN B12 LYSOSOMAL RELEASE DEFECT; VITAMIN B12 STORAGE DISEASE. Identifiers: Orphanet 79284, MedGen C1848578, MONDO:0010183, OMIM 277380.

Allele frequency attached by ClinVar (database versions not stated): gnomAD exomes 0.00052 and 0.00091; ESP Exome Variant Server 0.00100; ExAC 0.00116; 1000 Genomes Project 0.00300; 1000 Genomes Project 30x 0.00328; gnomAD 0.00335 and 0.00364; TOPMed 0.00365.
gnomAD v4.1: 1,159 of 1,403,080 alleles (0.083%); highest among the groups gnomAD compares: African/African-American, 1.1%; 6 homozygotes.

Submissions (3):

Labcorp Genetics (formerly Invitae), Labcorp
Classification: Benign for Methylmalonic aciduria and homocystinuria type cblF. Last evaluated: 2026-01-23. Review status: criteria provided, single submitter. Criteria: Invitae Variant Classification Sherloc (09022015). Collection method: clinical testing. Allele origin: germline.

Blueprint Genetics
Classification: Likely benign. Last evaluated: 2024-11-11. Review status: criteria provided, single submitter. Criteria: ACMG Guidelines, 2015. Collection method: clinical testing. Allele origin: germline.

GeneDx
Classification: Likely benign. Last evaluated: 2018-01-31. Review status: criteria provided, single submitter. Criteria: GeneDx Variant Classification (06012015). Collection method: clinical testing. Allele origin: germline. Affected: yes.
Comment: This variant is considered likely benign or benign based on one or more of the following criteria: it is a conservative change, it occurs at a poorly conserved position in the protein, it is predicted to be benign by multiple in silico algorithms, and/or has population frequency not consistent with disease.

NM_018368.4(LMBRD1):c.562+18T>A

Gene: LMBRD1 (LMBR1 domain containing 1; minus strand). Cytogenetic location: 6q13.
Variant type: single nucleotide variant.
Coding change: c.562+18T>A on transcript NM_018368.4 (MANE Select); 18 bases into the intron after coding-DNA position 562, T replaced by A.
Molecular consequence: intron variant.
Genome position (GRCh38, 1-based): chr6:69,741,771, A>T on the plus strand (T>A on the coding strand, the complement: LMBRD1 is on the minus strand). VCF-style: chr6-69741771-A-T. GRCh37 (hg19) VCF-style: chr6-70451663-A-T.
Other names: c.343+18T>A (NM_001367272.1, NM_001367271.1, NM_001363722.2).
Identifiers: ClinVar variation 379075 (VCV000379075.11), dbSNP rs183663902, ClinGen allele CA3879860.